The following is an entry in ClinVar:

ClinVar aggregate classification (germline): Pathogenic. Review status: criteria provided, multiple submitters, no conflicts (2 of 4 stars). 2 submissions from 2 submitters: Pathogenic (2). Last evaluated 2025-11-10.

Conditions:
Familial cancer of breast. Also called: hereditary breast carcinoma; BREAST CANCER, FAMILIAL; Hereditary breast cancer. Identifiers: Orphanet 227535, MedGen C0346153, MONDO:0016419, OMIM 114480. Disease mechanism: loss of function.

Submissions (2):

Labcorp Genetics (formerly Invitae), Labcorp
Classification: Pathogenic for Familial cancer of breast. Last evaluated: 2025-11-10. Review status: criteria provided, single submitter. Criteria: Invitae Variant Classification Sherloc (09022015). Collection method: clinical testing. Allele origin: germline.
Comment: This sequence change creates a premature translational stop signal (p.Gly307*) in the CHEK2 gene. It is expected to result in an absent or disrupted protein product. Loss-of-function variants in CHEK2 are known to be pathogenic (PMID: 21876083, 24713400). This variant is not present in population databases (gnomAD no frequency). This variant has not been reported in the literature in individuals affected with CHEK2-related conditions. ClinVar contains an entry for this variant (Variation ID: 1069809). For these reasons, this variant has been classified as Pathogenic.

Myriad Genetics, Inc.
Classification: Pathogenic for Familial cancer of breast. Last evaluated: 2023-06-27. Review status: criteria provided, single submitter. Criteria: Myriad Autosomal Dominant, Autosomal Recessive and X-Linked Classification Criteria (2023). Collection method: clinical testing. Allele origin: unknown.
Comment: This variant is considered pathogenic. This variant creates a termination codon and is predicted to result in premature protein truncation.

Literature cited by the submitters: PubMed 21876083 (cited by Labcorp Genetics (formerly Invitae), Labcorp); PubMed 24713400 (cited by Labcorp Genetics (formerly Invitae), Labcorp).

NM_007194.4(CHEK2):c.919G>T (p.Gly307Ter)

Gene: CHEK2 (checkpoint kinase 2; minus strand). Cytogenetic location: 22q12.1.
Variant type: single nucleotide variant.
Coding change: c.919G>T on transcript NM_007194.4 (MANE Select); coding-DNA position 919, G replaced by T.
Protein change: p.Gly307Ter; replaces glycine 307 with a stop codon.
Molecular consequence: nonsense.
Genome position (GRCh38, 1-based): chr22:28,699,927, C>A on the plus strand (G>T on the coding strand, the complement: CHEK2 is on the minus strand). VCF-style: chr22-28699927-C-A. GRCh37 (hg19) VCF-style: chr22-29095915-C-A.
Other names: c.1048G>T, p.Gly350Ter (NM_001005735.3); c.256G>T, p.Gly86Ter (NM_001257387.3); c.718G>T, p.Gly240Ter (NM_001349956.3); c.919G>T, p.Gly307Ter (NM_145862.3); short protein forms G240*, G307*, G350*, G86*.
Identifiers: ClinVar variation 1069809 (VCV001069809.9), dbSNP rs1555915533, ClinGen allele CA411100140.